The following is an entry in ClinVar:

NM_004415.4(DSP):c.8014C>T (p.Gln2672Ter)

Gene: DSP (desmoplakin; plus strand). Cytogenetic location: 6p24.3.
Variant type: single nucleotide variant.
Coding change: c.8014C>T on transcript NM_004415.4 (MANE Select); coding-DNA position 8014, C replaced by T.
Protein change: p.Gln2672Ter; replaces glutamine 2672 with a stop codon.
Molecular consequence: nonsense.
Genome position (GRCh38, 1-based): chr6:7,585,276, C>T. VCF-style: chr6-7585276-C-T. GRCh37 (hg19) VCF-style: chr6-7585509-C-T.
Other names: c.8014C>T (LRG_423t1); c.6217C>T, p.Gln2073Ter (NM_001008844.3); c.6685C>T, p.Gln2229Ter (NM_001319034.2); short protein forms Q2672*, Q2073*, Q2229*.
Identifiers: ClinVar variation 419466 (VCV000419466.8), dbSNP rs1064793890, ClinGen allele CA16618328.

ClinVar aggregate classification (germline): Pathogenic/Likely pathogenic. Review status: criteria provided, multiple submitters, no conflicts (2 of 4 stars). 2 submissions from 2 submitters: Pathogenic (1); Likely pathogenic (1). Last evaluated 2026-10-11.

Conditions:
Arrhythmogenic cardiomyopathy with wooly hair and keratoderma. Also called: PALMOPLANTAR KERATODERMA WITH LEFT VENTRICULAR CARDIOMYOPATHY AND WOOLLY HAIR; Dilated cardiomyopathy with woolly hair and keratoderma; Carvajal syndrome; Arrhythmogenic cardiomyopathy with woolly hair and keratoderma. Identifiers: Orphanet 65282, MedGen C1854063, MONDO:0011581, OMIM 605676.
Arrhythmogenic right ventricular dysplasia 8 (ARVD8). Also called: Arrhythmogenic Right Ventricular Dysplasia/Cardiomyopathy 8; ARRHYTHMOGENIC RIGHT VENTRICULAR DYSPLASIA, FAMILIAL, 8; ARRHYTHMOGENIC RIGHT VENTRICULAR CARDIOMYOPATHY 8. Identifiers: MedGen C1843896, MONDO:0011831, OMIM 607450.

Submissions (2):

GeneDx
Classification: Likely pathogenic. Last evaluated: 2026-10-11. Review status: criteria provided, single submitter. Criteria: GeneDx Variant Classification Process June 2021. Collection method: clinical testing. Allele origin: germline.
Comment: Nonsense variant predicted to result in protein truncation in a gene for which loss of function is a known mechanism of disease; Not observed at significant frequency in large population cohorts (gnomAD); Has not been previously published as pathogenic or benign to our knowledge

Labcorp Genetics (formerly Invitae), Labcorp
Classification: Pathogenic for Arrhythmogenic cardiomyopathy with wooly hair and keratoderma; Arrhythmogenic right ventricular dysplasia 8. Last evaluated: 2024-06-03. Review status: criteria provided, single submitter. Criteria: Invitae Variant Classification Sherloc (09022015). Collection method: clinical testing. Allele origin: germline.
Comment: This sequence change creates a premature translational stop signal (p.Gln2672*) in the DSP gene. While this is not anticipated to result in nonsense mediated decay, it is expected to disrupt the last 200 amino acid(s) of the DSP protein. This variant is not present in population databases (gnomAD no frequency). This variant has not been reported in the literature in individuals affected with DSP-related conditions. ClinVar contains an entry for this variant (Variation ID: 419466). This variant disrupts a region of the DSP protein in which other variant(s) (p.Glu2728Glyfs*11) have been determined to be pathogenic (Invitae). This suggests that this is a clinically significant region of the protein, and that variants that disrupt it are likely to be disease-causing. For these reasons, this variant has been classified as Pathogenic.